The following is an entry in ClinVar:

NM_020203.6(MEPE):c.1055G>A (p.Gly352Glu)

Genes: MEPE (matrix extracellular phosphoglycoprotein; plus strand), MEPE-AS1 (MEPE and IBSP antisense RNA 1; minus strand). Cytogenetic location: 4q22.1.
Variant type: single nucleotide variant.
Coding change: c.1055G>A on transcript NM_020203.6 (MANE Select); coding-DNA position 1055, G replaced by A.
Protein change: p.Gly352Glu; replaces glycine 352 with glutamic acid.
Molecular consequence: missense variant.
Genome position (GRCh38, 1-based): chr4:87,845,923, G>A. VCF-style: chr4-87845923-G-A. GRCh37 (hg19) VCF-style: chr4-88767075-G-A.
Other names: c.1055G>A, p.Gly352Glu (NM_001184694.3); c.716G>A, p.Gly239Glu (NM_001184695.4, NM_001184696.2, NM_001184697.2); c.1148G>A, p.Gly383Glu (NM_001291183.2); short protein forms G239E, G352E, G383E.
Identifiers: ClinVar variation 4977656 (VCV004977656.1).
Genomic context (GRCh38, chr4:87,845,923, plus strand): 5'-TCAGCCTTGTAGAGGGCAGCAACGATATCATGGGTAGTACCAATTTTAAGGAGCTCCCTG[G>A]AAGAGAAGGAAACAGAGTGGATGCTGGCAGCCAAAATGCTCACCAAGGGAAGGTTGAGTT-3'
Protein context (NP_064588.1, residues 342-362): MGSTNFKELP[Gly352Glu]REGNRVDAGS

ClinVar aggregate classification (germline): Uncertain significance (1 of 4 stars; one submission).

Conditions:
MEPE-related disorder. Also called: MEPE-related condition.

gnomAD v4.1: 11 of 1,613,890 alleles (0.00068%); highest among the groups gnomAD compares: Admixed American, 0.0033%; no homozygotes.

Submission:

PreventionGenetics, part of Exact Sciences
Classification: Uncertain significance for MEPE-related condition. Last evaluated: 2026-02-11. Review status: criteria provided, single submitter. Criteria: ACMG Guidelines, 2015. Collection method: clinical testing. Allele origin: germline.
Comment: The MEPE c.1148G>A variant is predicted to result in the amino acid substitution p.Gly383Glu. To our knowledge, this variant has not been reported in the literature or in a large population database (gnomAD), indicating this variant is rare. At this time, the clinical significance of this variant is uncertain due to the absence of conclusive functional and genetic evidence.